The following is an entry in ClinVar:

ClinVar aggregate classification (germline): Pathogenic/Likely pathogenic. Review status: criteria provided, multiple submitters, no conflicts (2 of 4 stars). 2 submissions from 2 submitters: Pathogenic (1); Likely pathogenic (1). Last evaluated 2023-10-18.

Conditions:
LAMA2-related muscular dystrophy (LAMA2-RD). Also called: Laminin alpha 2-related dystrophy. Identifiers: MedGen C5679788, MONDO:0100228.

Submissions (2):

Labcorp Genetics (formerly Invitae), Labcorp
Classification: Pathogenic for LAMA2-related muscular dystrophy. Last evaluated: 2023-10-18. Review status: criteria provided, single submitter. Criteria: Invitae Variant Classification Sherloc (09022015). Collection method: clinical testing. Allele origin: germline.
Comment: This sequence change creates a premature translational stop signal (p.Leu2102*) in the LAMA2 gene. It is expected to result in an absent or disrupted protein product. Loss-of-function variants in LAMA2 are known to be pathogenic (PMID: 18700894, 32904964). This variant is not present in population databases (gnomAD no frequency). This variant has not been reported in the literature in individuals affected with LAMA2-related conditions. ClinVar contains an entry for this variant (Variation ID: 984211). For these reasons, this variant has been classified as Pathogenic.

Myriad Genetics, Inc.
Classification: Likely pathogenic for LAMA2-related muscular dystrophy. Last evaluated: 2019-11-19. Review status: criteria provided, single submitter. Criteria: Myriad Autosomal Dominant, Autosomal Recessive and X-Linked Classification Criteria (2023). Collection method: clinical testing. Allele origin: unknown.
Comment: NM_000426.3(LAMA2):c.6305T>G(L2102*) is expected to be pathogenic in the context of LAMA2-related muscular dystrophy. This variant is predicted to lead to an abnormal or absent protein product due to the creation of a premature termination codon in LAMA2, a gene where loss-of-function variants are known to be pathogenic. Please note: this variant was assessed in the context of healthy population screening.

Literature cited by the submitters: PubMed 18700894 (cited by Labcorp Genetics (formerly Invitae), Labcorp); PubMed 32904964 (cited by Labcorp Genetics (formerly Invitae), Labcorp).

NM_000426.4(LAMA2):c.6305T>G (p.Leu2102Ter)

Gene: LAMA2 (laminin subunit alpha 2; plus strand). Cytogenetic location: 6q22.33.
Variant type: single nucleotide variant.
Coding change: c.6305T>G on transcript NM_000426.4 (MANE Select); coding-DNA position 6305, T replaced by G.
Protein change: p.Leu2102Ter; replaces leucine 2102 with a stop codon.
Molecular consequence: nonsense.
Genome position (GRCh38, 1-based): chr6:129,445,697, T>G. VCF-style: chr6-129445697-T-G. GRCh37 (hg19) VCF-style: chr6-129766842-T-G.
Other names: c.6305T>G, p.Leu2102Ter (NM_001079823.2); short protein forms L2102*.
Identifiers: ClinVar variation 984211 (VCV000984211.7), dbSNP rs1782333085, ClinGen allele CA365631703.